The following is an entry in ClinVar:

ClinVar aggregate classification (germline): Pathogenic (1 of 4 stars; one submission).

Conditions:
Hereditary cancer-predisposing syndrome. Also called: Hereditary Cancer Syndrome; Neoplastic Syndromes, Hereditary; Tumor predisposition; Hereditary neoplastic syndrome. Identifiers: Orphanet 140162, MedGen C0027672, MeSH D009386, MONDO:0015356.

Submission:

Ambry Genetics
Classification: Pathogenic for Hereditary cancer-predisposing syndrome. Last evaluated: 2018-07-09. Review status: criteria provided, single submitter. Criteria: Ambry Variant Classification Scheme 2023. Collection method: clinical testing. Allele origin: germline.
Comment: The c.1200_1201insC pathogenic mutation, located in coding exon 4 of the MSH6 gene, results from an insertion of one nucleotide at position 1200, causing a translational frameshift with a predicted alternate stop codon (p.D401Rfs*17). This alteration is expected to result in loss of function by premature protein truncation or nonsense-mediated mRNA decay. As such, this alteration is interpreted as a disease-causing mutation.

NM_000179.3(MSH6):c.1200_1201insC (p.Asp401fs)

Gene: MSH6 (mutS homolog 6; plus strand). Cytogenetic location: 2p16.3.
Variant type: Insertion.
Coding change: c.1200_1201insC on transcript NM_000179.3 (MANE Select); coding-DNA positions 1200 to 1201, C inserted.
Protein change: p.Asp401fs; shifts the reading frame from aspartic acid 401.
Molecular consequence: frameshift variant.
Genome position: GRCh38 VCF-style: chr2-47799183-G-GC. GRCh37 (hg19) VCF-style: chr2-48026322-G-GC.
Other names: c.810_811insC, p.Asp271fs (NM_001281492.2); c.294_295insC, p.Asp99fs (NM_001281493.2, NM_001281494.2); c.1296_1297insC, p.Asp433Argfs (NM_001406795.1, NM_001406802.1); c.1200_1201insC, p.Asp401Argfs (NM_001406796.1, NM_001406798.1, NM_001406800.1 and 4 more transcripts); c.903_904insC, p.Asp302Argfs (NM_001406797.1, NM_001406801.1, NM_001406805.1 and 10 more transcripts); c.675_676insC, p.Asp226Argfs (NM_001406799.1, NM_001406806.1, NM_001406807.1); c.1122_1123insC, p.Asp375Argfs (NM_001406804.1); c.294_295insC, p.Asp99Argfs (NM_001406811.1, NM_001406812.1, NM_001406814.1 and 4 more transcripts); and 2 more; short protein forms D99fs, D271fs, D401fs.
Identifiers: ClinVar variation 1747258 (VCV001747258.2), dbSNP rs2530596601, ClinGen allele CA2580067523.
Genomic context (GRCh38, chr2:47,799,183, plus strand): 5'-TGAGCACAGGAGGAGGCCTGATCACCCCGATTTTGATGCATCTACACTCTATGTGCCTGA[G>GC]GATTTCCTCAATTCTTGTACTCCTGGGATGAGGAAGTGGTGGCAGATTAAGTCTCAGAAC-3'